The following is an entry in ClinVar:

ClinVar aggregate classification (germline): Uncertain significance. Review status: criteria provided, multiple submitters, no conflicts (2 of 4 stars). 4 submissions from 4 submitters: Uncertain significance (2). 2 of the submissions do not count toward it. Last evaluated 2023-08-23.

Conditions:
Cystic fibrosis (CF). Also called: MUCOVISCIDOSIS. Identifiers: Orphanet 586, MedGen C0010674, MONDO:0009061, OMIM 219700. Disease mechanism: loss of function.

Allele frequency attached by ClinVar (database versions not stated): gnomAD exomes below 0.00001.
gnomAD v4.1: 1 of 1,613,964 alleles (0.000062%); highest among the groups gnomAD compares: East Asian, 0.0022%; no homozygotes.

Submissions (4):

Women's Health and Genetics/Laboratory Corporation of America, LabCorp
Classification: Uncertain significance. Last evaluated: 2023-08-23. Review status: criteria provided, single submitter. Criteria: LabCorp Variant Classification Summary - May 2015. Collection method: clinical testing. Allele origin: germline.
Comment: Variant summary: CFTR c.4015C>T (p.Leu1339Phe) results in a non-conservative amino acid change located in the ABC transporter-like, ATP-binding domain (IPR003439) of the encoded protein sequence. Five of five in-silico tools predict a damaging effect of the variant on protein function. The variant was absent in 251160 control chromosomes (gnomAD). The available data on variant occurrences in the general population are insufficient to allow any conclusion about variant significance. c.4015C>T has been reported in the literature in at least one individual affected with congenital absence of the vas deferens (e.g., Yang_2015). These data do not allow any conclusion about variant significance. To our knowledge, no experimental evidence demonstrating an impact on protein function has been reported. The following publications have been ascertained in the context of this evaluation (PMID: 20059485, 35913788, 26277102). Two submitters have reported clinical-significance assessments for this variant to ClinVar after 2014. Both submitters classified the variant as uncertain significance. Based on the evidence outlined above, the variant was classified as uncertain significance.

Labcorp Genetics (formerly Invitae), Labcorp
Classification: Uncertain significance for Cystic fibrosis. Last evaluated: 2022-07-30. Review status: criteria provided, single submitter. Criteria: Invitae Variant Classification Sherloc (09022015). Collection method: clinical testing. Allele origin: germline.
Comment: This sequence change replaces leucine, which is neutral and non-polar, with phenylalanine, which is neutral and non-polar, at codon 1339 of the CFTR protein (p.Leu1339Phe). This variant is not present in population databases (gnomAD no frequency). This missense change has been observed in individual(s) with congenital absence of vas deferens (PMID: 26277102). ClinVar contains an entry for this variant (Variation ID: 53874). Algorithms developed to predict the effect of missense changes on protein structure and function are either unavailable or do not agree on the potential impact of this missense change (SIFT: "Deleterious"; PolyPhen-2: "Possibly Damaging"; Align-GVGD: "Class C15"). In summary, the available evidence is currently insufficient to determine the role of this variant in disease. Therefore, it has been classified as a Variant of Uncertain Significance.

Counsyl
Classification: Uncertain significance for Cystic fibrosis. Last evaluated: 2017-05-25. Review status: no assertion criteria provided. Collection method: clinical testing. Allele origin: unknown. Not counted in ClinVar's aggregate classification.

ClinVar Staff, National Center for Biotechnology Information (NCBI)
No classification provided. Condition: CFTR-related disorders. Review status: no classification provided. Collection method: literature only. Allele origin: germline. Affected: yes. Not counted in ClinVar's aggregate classification.

Literature cited by the submitters: PubMed 20059485 (cited by Women's Health and Genetics/Laboratory Corporation of America, LabCorp and ClinVar Staff, National Center for Biotechnology Information (NCBI)); PubMed 26277102 (cited by Women's Health and Genetics/Laboratory Corporation of America, LabCorp and Labcorp Genetics (formerly Invitae), Labcorp); PubMed 35913788 (cited by Women's Health and Genetics/Laboratory Corporation of America, LabCorp).

NM_000492.4(CFTR):c.4015C>T (p.Leu1339Phe)

Gene: CFTR (CF transmembrane conductance regulator; plus strand). Cytogenetic location: 7q31.2.
Variant type: single nucleotide variant.
Coding change: c.4015C>T on transcript NM_000492.4 (MANE Select); coding-DNA position 4015, C replaced by T.
Protein change: p.Leu1339Phe; replaces leucine 1339 with phenylalanine.
Molecular consequence: missense variant.
Genome position (GRCh38, 1-based): chr7:117,664,739, C>T. VCF-style: chr7-117664739-C-T. GRCh37 (hg19) VCF-style: chr7-117304793-C-T.
Other names: short protein forms L1339F.
Identifiers: ClinVar variation 53874 (VCV000053874.4), dbSNP rs397508660, ClinGen allele CA327382.